The following is an entry in ClinVar:

ClinVar aggregate classification (germline): Uncertain significance (1 of 4 stars; one submission).

gnomAD v4.1: 7 of 1,614,166 alleles (0.00043%); highest among the groups gnomAD compares: South Asian, 0.0077%; no homozygotes.

Submission:

GeneDx
Classification: Uncertain significance. Last evaluated: 2025-06-17. Review status: criteria provided, single submitter. Criteria: GeneDx Variant Classification Process June 2021. Collection method: clinical testing. Allele origin: germline. Affected: yes.
Comment: Not observed at significant frequency in large population cohorts (gnomAD); In silico analysis supports that this missense variant has a deleterious effect on protein structure/function; Has not been previously published as pathogenic or benign to our knowledge

NM_000053.4(ATP7B):c.2819T>C (p.Ile940Thr)

Gene: ATP7B (ATPase copper transporting beta; minus strand). Cytogenetic location: 13q14.3.
Variant type: single nucleotide variant.
Coding change: c.2819T>C on transcript NM_000053.4 (MANE Select); coding-DNA position 2819, T replaced by C.
Protein change: p.Ile940Thr; replaces isoleucine 940 with threonine.
Molecular consequence: missense variant. On other transcripts: intron variant (6).
Genome position (GRCh38, 1-based): chr13:51,949,708, A>G on the plus strand (T>C on the coding strand, the complement: ATP7B is on the minus strand). VCF-style: chr13-51949708-A-G. GRCh37 (hg19) VCF-style: chr13-52523844-A-G.
Other names: c.2486T>C, p.Ile829Thr (NM_001243182.2); c.2585T>C, p.Ile862Thr (NM_001330578.2, NM_001406527.1, NM_001406528.1 and 1 more transcripts); c.2567T>C, p.Ile856Thr (NM_001330579.2, NM_001406531.1, NM_001406532.1 and 1 more transcripts); c.2819T>C, p.Ile940Thr (NM_001406511.1, NM_001406512.1, NM_001406513.1 and 3 more transcripts); c.2786T>C, p.Ile929Thr (NM_001406514.1); c.2723T>C, p.Ile908Thr (NM_001406517.1, NM_001406518.1); c.2675T>C, p.Ile892Thr (NM_001406520.1, NM_001406521.1, NM_001406522.1 and 1 more transcripts); c.2642T>C, p.Ile881Thr (NM_001406524.1); and 12 more; short protein forms I510T, I724T, I746T, I778T, I797T, I824T, I829T, I830T.
Identifiers: ClinVar variation 4538903 (VCV004538903.1).